The following is an entry in ClinVar:

NM_001170.3(AQP7):c.700C>A (p.Arg234Ser)

Gene: AQP7 (aquaporin 7; minus strand). Cytogenetic location: 9p13.3.
Variant type: single nucleotide variant.
Coding change: c.700C>A on transcript NM_001170.3 (MANE Select); coding-DNA position 700, C replaced by A.
Protein change: p.Arg234Ser; replaces arginine 234 with serine.
Molecular consequence: missense variant. On other transcripts: non-coding transcript variant (5).
Genome position (GRCh38, 1-based): chr9:33,385,692, G>T on the plus strand (C>A on the coding strand, the complement: AQP7 is on the minus strand). VCF-style: chr9-33385692-G-T. GRCh37 (hg19) VCF-style: chr9-33385690-G-T.
Other names: c.529C>A, p.Arg177Ser (NM_001318156.2); c.697C>A, p.Arg233Ser (NM_001318157.2); c.700C>A, p.Arg234Ser (NM_001318158.2, NM_001376191.1, NM_001376192.1 and 1 more transcripts); short protein forms R234S, R177S, R233S.
Identifiers: ClinVar variation 402384 (VCV000402384.7), dbSNP rs139024279, ClinGen allele CA5025784.

ClinVar aggregate classification (germline): Conflicting classifications of pathogenicity. Review status: criteria provided, conflicting classifications (1 of 4 stars). 2 submissions from 2 submitters: Uncertain significance (1); Benign (1). Last evaluated 2023-04-17.

Conditions:
AQP7-related condition.

Allele frequency attached by ClinVar (database versions not stated): TOPMed 0.00001.
gnomAD v4.1: 43 of 1,613,622 alleles (0.0027%); highest among the groups gnomAD compares: Non-Finnish European, 0.0031%; no homozygotes.

Submissions (2):

Department of Pathology and Laboratory Medicine, Sinai Health System
Classification: Uncertain significance for AQP7-related condition. Last evaluated: 2023-04-17. Review status: criteria provided, single submitter. Criteria: ACMG Guidelines, 2015. Collection method: research. Allele origin: germline.

Laboratory for Molecular Medicine, Mass General Brigham Personalized Medicine
Classification: Benign. Last evaluated: 2016-03-28. Review status: criteria provided, single submitter. Criteria: LMM Criteria. Collection method: clinical testing. Allele origin: germline.
Comment: Variant identified in a genome or exome case(s) and assessed due to predicted null impact of the variant or pathogenic assertions in the literature or databases. Disclaimer: This variant has not undergone full assessment. The following are preliminary notes: Frequency